The following is an entry in ClinVar:

NM_006796.3(AFG3L2):c.293A>C (p.Glu98Ala)

Gene: AFG3L2 (AFG3 like matrix AAA peptidase subunit 2; minus strand). Cytogenetic location: 18p11.21.
Variant type: single nucleotide variant.
Coding change: c.293A>C on transcript NM_006796.3 (MANE Select); coding-DNA position 293, A replaced by C.
Protein change: p.Glu98Ala; replaces glutamic acid 98 with alanine.
Molecular consequence: missense variant.
Genome position (GRCh38, 1-based): chr18:12,367,382, T>G on the plus strand (A>C on the coding strand, the complement: AFG3L2 is on the minus strand). VCF-style: chr18-12367382-T-G. GRCh37 (hg19) VCF-style: chr18-12367381-T-G.
Other names: short protein forms E98A.
Identifiers: ClinVar variation 2125098 (VCV002125098.4), dbSNP rs993063548, ClinGen allele CA401955016.
Genomic context (GRCh38, chr18:12,367,382, plus strand): 5'-CGTTTTCCACCGCCACCACCTCCTCCTCCAGAAGAGCGTGTGGTAGCAGCTGGCTTTGAT[T>G]CTGTTCATAAACAAAGAGCACACACAGAAGCACGGCAAGGTTTTAGCTCTCTCAGCAATG-3'
Protein context (NP_006787.2, residues 88-108): EPKEVMGEKK[Glu98Ala]SKPAATTRSS

ClinVar aggregate classification (germline): Uncertain significance (1 of 4 stars; one submission).

Submission:

Labcorp Genetics (formerly Invitae), Labcorp
Classification: Uncertain significance. Last evaluated: 2022-04-12. Review status: criteria provided, single submitter. Criteria: Invitae Variant Classification Sherloc (09022015). Collection method: clinical testing. Allele origin: germline.
Comment: This sequence change replaces glutamic acid, which is acidic and polar, with alanine, which is neutral and non-polar, at codon 98 of the AFG3L2 protein (p.Glu98Ala). This variant is not present in population databases (gnomAD no frequency). This variant has not been reported in the literature in individuals affected with AFG3L2-related conditions. Algorithms developed to predict the effect of missense changes on protein structure and function (SIFT, PolyPhen-2, Align-GVGD) all suggest that this variant is likely to be tolerated. In summary, the available evidence is currently insufficient to determine the role of this variant in disease. Therefore, it has been classified as a Variant of Uncertain Significance.